The following is an entry in ClinVar:

ClinVar aggregate classification (germline): Conflicting classifications of pathogenicity. Review status: criteria provided, conflicting classifications (1 of 4 stars). 2 submissions from 2 submitters: Uncertain significance (1); Benign (1). Last evaluated 2026-06-30.

Conditions:
RAI1-related disorder. Also called: RAI1-related condition.

Allele frequency attached by ClinVar (database versions not stated): gnomAD exomes 0.00004 and 0.00006; gnomAD 0.00006; TOPMed 0.00007; ExAC 0.00009.
gnomAD v4.1: 89 of 1,561,504 alleles (0.0057%); highest among the groups gnomAD compares: Non-Finnish European, 0.007%; no homozygotes.

Submissions (2):

PreventionGenetics, part of Exact Sciences
Classification: Uncertain significance for RAI1-related condition. Last evaluated: 2026-06-30. Review status: criteria provided, single submitter. Criteria: ACMG Guidelines, 2015. Collection method: clinical testing. Allele origin: germline.
Comment: The RAI1 c.3271G>A variant is predicted to result in the amino acid substitution p.Ala1091Thr. To our knowledge, this variant has not been reported in the literature. This variant is reported in 0.0058% of alleles in individuals of European (Non-Finnish) descent in gnomAD, which is likely too high to be an undocumented cause of autosomal dominant Smith-Magenis syndrome. Although we suspect that this variant may be benign, at this time, the clinical significance of this variant is uncertain due to the absence of conclusive functional and genetic evidence.

Labcorp Genetics (formerly Invitae), Labcorp
Classification: Benign. Last evaluated: 2025-07-25. Review status: criteria provided, single submitter. Criteria: Invitae Variant Classification Sherloc (09022015). Collection method: clinical testing. Allele origin: germline.

NM_030665.4(RAI1):c.3271G>A (p.Ala1091Thr)

Gene: RAI1 (retinoic acid induced 1; plus strand). Cytogenetic location: 17p11.2.
Variant type: single nucleotide variant.
Coding change: c.3271G>A on transcript NM_030665.4 (MANE Select); coding-DNA position 3271, G replaced by A.
Protein change: p.Ala1091Thr; replaces alanine 1091 with threonine.
Molecular consequence: missense variant.
Genome position (GRCh38, 1-based): chr17:17,796,219, G>A. VCF-style: chr17-17796219-G-A. GRCh37 (hg19) VCF-style: chr17-17699533-G-A.
Other names: c.3271G>A (NM_030665.3); short protein forms A1091T.
Identifiers: ClinVar variation 1362934 (VCV001362934.8), dbSNP rs745814214, ClinGen allele CA8418698.